The following is an entry in ClinVar:

ClinVar aggregate classification (germline): Uncertain significance (1 of 4 stars; one submission).

gnomAD v4.1: 1 of 1,610,826 alleles (0.000062%); highest among the groups gnomAD compares: Non-Finnish European, 0.000085%; no homozygotes.

Submission:

Labcorp Genetics (formerly Invitae), Labcorp
Classification: Uncertain significance. Last evaluated: 2025-03-04. Review status: criteria provided, single submitter. Criteria: Invitae Variant Classification Sherloc (09022015). Collection method: clinical testing. Allele origin: germline.
Comment: This sequence change replaces glutamic acid, which is acidic and polar, with glutamine, which is neutral and polar, at codon 164 of the CTDP1 protein (p.Glu164Gln). This variant is not present in population databases (gnomAD no frequency). This variant has not been reported in the literature in individuals affected with CTDP1-related conditions. An algorithm developed to predict the effect of missense changes on protein structure and function (PolyPhen-2) suggests that this variant is likely to be disruptive. In summary, the available evidence is currently insufficient to determine the role of this variant in disease. Therefore, it has been classified as a Variant of Uncertain Significance.

NM_004715.5(CTDP1):c.490G>C (p.Glu164Gln)

Gene: CTDP1 (CTD phosphatase subunit 1; plus strand). Cytogenetic location: 18q23.
Variant type: single nucleotide variant.
Coding change: c.490G>C on transcript NM_004715.5 (MANE Select); coding-DNA position 490, G replaced by C.
Protein change: p.Glu164Gln; replaces glutamic acid 164 with glutamine.
Molecular consequence: missense variant.
Genome position (GRCh38, 1-based): chr18:79,696,068, G>C. VCF-style: chr18-79696068-G-C. GRCh37 (hg19) VCF-style: chr18-77456068-G-C.
Other names: c.133G>C, p.Glu45Gln (NM_001202504.1); c.490G>C, p.Glu164Gln (NM_001318511.2, NM_048368.4); short protein forms E45Q, E164Q.
Identifiers: ClinVar variation 4710284 (VCV004710284.1).
Genomic context (GRCh38, chr18:79,696,068, plus strand): 5'-CCGCTGTCCACGGCGACCGTGTCCATGGTGCACAGCGTGCCGGAGTTGATGGTGAGCTCC[G>C]AGGTGAGCCGGGCATCAGTGGCGGCGTGTTGGGGAAGCGTGGTGCTCTGAGGAGGGCGGC-3'
Protein context (NP_004706.3, residues 154-174): HSVPELMVSS[Glu164Gln]QAEQLGREDQ